The following is an entry in ClinVar:

NC_000003.11:g.(?_164709945)_(164716481_?)dup

Gene: SI (sucrase-isomaltase; minus strand). Cytogenetic location: 3q26.1.
Variant type: Duplication.
Identifiers: ClinVar variation 2423561 (VCV002423561.3).

ClinVar aggregate classification (germline): Likely pathogenic (1 of 4 stars; one submission).

Submission:

Labcorp Genetics (formerly Invitae), Labcorp
Classification: Likely pathogenic. Last evaluated: 2022-07-17. Review status: criteria provided, single submitter. Criteria: Invitae Variant Classification Sherloc (09022015). Collection method: clinical testing. Allele origin: germline.
Comment: This variant has not been reported in the literature in individuals affected with SI-related conditions. In summary, the currently available evidence indicates that the variant is pathogenic, but additional data are needed to prove that conclusively. Therefore, this variant has been classified as Likely Pathogenic. This variant results in a copy number gain of the genomic region encompassing exon(s) 38-43 of the SI gene. While the exact position of this variant cannot be determined from the data, sub-genic copy number gains are generally in tandem (PMID: 25640679). This variant is predicted to be out-of-frame, and may result in an absent or disrupted protein product. Loss-of-function variants in SI are known to be pathogenic (PMID: 16329100, 23103650, 25452324).

Literature cited by the submitters: PubMed 25640679; PubMed 16329100; PubMed 23103650; PubMed 25452324.